The following is an entry in ClinVar:

NM_003128.3(SPTBN1):c.4207A>T (p.Ile1403Phe)

Gene: SPTBN1 (spectrin beta, non-erythrocytic 1; plus strand). Cytogenetic location: 2p16.2.
Variant type: single nucleotide variant.
Coding change: c.4207A>T on transcript NM_003128.3 (MANE Select); coding-DNA position 4207, A replaced by T.
Protein change: p.Ile1403Phe; replaces isoleucine 1403 with phenylalanine.
Molecular consequence: missense variant.
Genome position (GRCh38, 1-based): chr2:54,644,524, A>T. VCF-style: chr2-54644524-A-T. GRCh37 (hg19) VCF-style: chr2-54871661-A-T.
Other names: c.4168A>T, p.Ile1390Phe (NM_178313.3); short protein forms I1390F, I1403F.
Identifiers: ClinVar variation 5003154 (VCV005003154.1).
Genomic context (GRCh38, chr2:54,644,524, plus strand): 5'-GAACTTTTCACCCAGAGCTGTGCAGATCTAGACAAATGGCTGCACGGCCTGGAGAGTCAG[A>T]TTCAGTCTGATGACTATGGCAAAGACCTGACCAGTGTCAATATCCTGCTGAAAAAGCAAC-3'
Protein context (NP_003119.2, residues 1393-1413): DKWLHGLESQ[Ile1403Phe]QSDDYGKDLT

ClinVar aggregate classification (germline): Uncertain significance (1 of 4 stars; one submission).

Conditions:
Developmental delay, impaired speech, and behavioral abnormalities. Identifiers: MedGen C5561957, MONDO:0859178, OMIM 619475.

gnomAD v4.1: 1 of 1,614,150 alleles (0.000062%); highest among the groups gnomAD compares: Admixed American, 0.0017%; no homozygotes.

Submission:

OLLIN Analises Genomicas, OLLIN
Classification: Uncertain significance for Developmental delay, impaired speech, and behavioral abnormalities. Last evaluated: 2026-08-06. Review status: criteria provided, single submitter. Criteria: ACMG Guidelines 2015 PMID 25741868. Collection method: clinical testing. Allele origin: germline. Inheritance: Autosomal dominant inheritance.
Comment: This missense variant, located in exon 20 (of 36), has been observed in gnomAD with an allele frequency of 0.000062%, but has not been reported in ClinVar or identified in the literature. In silico analysis predicts that this variant has a tolerated effect. This gene is constrained for missense variation. According to the currently available evidence, this variant has been classified as uncertain significance (PP2, BP4_M).